The following is an entry in ClinVar:

ClinVar aggregate classification (germline): Benign/Likely benign. Review status: criteria provided, multiple submitters, no conflicts (2 of 4 stars). 4 submissions from 4 submitters: Benign (2); Likely benign (2). Last evaluated 2025-09-29.

Allele frequency attached by ClinVar (database versions not stated): gnomAD exomes 0.00063; ExAC 0.00077; 1000 Genomes Project 0.00220; 1000 Genomes Project 30x 0.00250; TOPMed 0.00254; gnomAD 0.00258; ESP Exome Variant Server 0.00300.
gnomAD v4.1: 820 of 1,614,188 alleles (0.051%); highest among the groups gnomAD compares: African/African-American, 0.85%; 2 homozygotes.

Submissions (4):

Labcorp Genetics (formerly Invitae), Labcorp
Classification: Benign. Last evaluated: 2025-09-29. Review status: criteria provided, single submitter. Criteria: Invitae Variant Classification Sherloc (09022015). Collection method: clinical testing. Allele origin: germline.

CeGaT Center for Human Genetics Tuebingen
Classification: Likely benign. Last evaluated: 2025-02-01. Review status: criteria provided, single submitter. Criteria: CeGaT Center For Human Genetics Tuebingen Variant Classification Criteria Version 2. Collection method: clinical testing. Allele origin: germline. Affected: yes. Observed: 1 variant allele.
Comment: KRT74: BS2

Blueprint Genetics
Classification: Likely benign. Last evaluated: 2024-11-26. Review status: criteria provided, single submitter. Criteria: ACMG Guidelines, 2015. Collection method: clinical testing. Allele origin: germline.

Breakthrough Genomics
Classification: Benign. Review status: criteria provided, single submitter. Criteria: ACMG Guidelines, 2015. Collection method: not provided. Allele origin: germline. Inheritance: Autosomal recessive inheritance. Affected: yes.

NM_175053.4(KRT74):c.194G>C (p.Gly65Ala)

Gene: KRT74 (keratin 74; minus strand). Cytogenetic location: 12q13.13.
Variant type: single nucleotide variant.
Coding change: c.194G>C on transcript NM_175053.4 (MANE Select); coding-DNA position 194, G replaced by C.
Protein change: p.Gly65Ala; replaces glycine 65 with alanine.
Molecular consequence: missense variant.
Genome position (GRCh38, 1-based): chr12:52,573,584, C>G on the plus strand (G>C on the coding strand, the complement: KRT74 is on the minus strand). VCF-style: chr12-52573584-C-G. GRCh37 (hg19) VCF-style: chr12-52967368-C-G.
Other names: short protein forms G65A.
Identifiers: ClinVar variation 714179 (VCV000714179.24), dbSNP rs141269559, ClinGen allele CA6584175.
Genomic context (GRCh38, chr12:52,573,584, plus strand): 5'-CGGCCCCCTCCATACCCAGAGCCAGGCCTGAAGCCGTAACCTCCAGCCCGAACGCCGCCA[C>G]CAGCCACATTGAAAGAAATACGCCGATTCCCTCCAAGGCTATAGAGGCTCCGACTGCCAA-3'
Protein context (NP_778223.2, residues 55-75): GNRRISFNVA[Gly65Ala]GGVRAGGYGF